The following is an entry in ClinVar:

ClinVar aggregate classification (germline): Uncertain significance. Review status: criteria provided, multiple submitters, no conflicts (2 of 4 stars). 2 submissions from 2 submitters: Uncertain significance (2). Last evaluated 2025-08-10.

Conditions:
Inborn genetic diseases. Identifiers: MedGen C0950123, MeSH D030342.

gnomAD v4.1: 76 of 1,609,162 alleles (0.0047%); highest among the groups gnomAD compares: Non-Finnish European, 0.0058%; no homozygotes.

Submissions (2):

Ambry Genetics
Classification: Uncertain significance for Inborn genetic diseases. Last evaluated: 2025-08-10. Review status: criteria provided, single submitter. Criteria: Ambry Variant Classification Scheme 2023. Collection method: clinical testing. Allele origin: germline.

GeneDx
Classification: Uncertain significance. Last evaluated: 2025-01-13. Review status: criteria provided, single submitter. Criteria: GeneDx Variant Classification Process June 2021. Collection method: clinical testing. Allele origin: germline. Affected: yes.
Comment: In silico analysis indicates that this missense variant does not alter protein structure/function; Has not been previously published as pathogenic or benign to our knowledge

NM_000213.5(ITGB4):c.4667C>T (p.Pro1556Leu)

Genes: GALK1 (galactokinase 1; minus strand), ITGB4 (integrin subunit beta 4; plus strand). Cytogenetic location: 17q25.1.
Variant type: single nucleotide variant.
Coding change: c.4667C>T on transcript NM_000213.5 (MANE Select); coding-DNA position 4667, C replaced by T.
Protein change: p.Pro1556Leu; replaces proline 1556 with leucine.
Molecular consequence: missense variant. On other transcripts: intron variant (2).
Genome position (GRCh38, 1-based): chr17:75,755,809, C>T. VCF-style: chr17-75755809-C-T. GRCh37 (hg19) VCF-style: chr17-73751890-C-T.
Other names: c.4616C>T, p.Pro1539Leu (NM_001005619.2); c.4457C>T, p.Pro1486Leu (NM_001005731.3, NM_001321123.2); c.4349-620C>T (NM_001438834.1); c.*22+2225G>A (NM_001381985.1); short protein forms P1486L, P1539L, P1556L.
Identifiers: ClinVar variation 4057067 (VCV004057067.2).